The following is an entry in ClinVar:

NM_015164.4(PLEKHM2):c.2222C>A (p.Thr741Asn)

Gene: PLEKHM2 (pleckstrin homology and RUN domain containing M2; plus strand). Cytogenetic location: 1p36.21.
Variant type: single nucleotide variant.
Coding change: c.2222C>A on transcript NM_015164.4 (MANE Select); coding-DNA position 2222, C replaced by A.
Protein change: p.Thr741Asn; replaces threonine 741 with asparagine.
Molecular consequence: missense variant.
Genome position (GRCh38, 1-based): chr1:15,730,545, C>A. VCF-style: chr1-15730545-C-A. GRCh37 (hg19) VCF-style: chr1-16057040-C-A.
Other names: short protein forms T741N.
Identifiers: ClinVar variation 1036203 (VCV001036203.9), dbSNP rs568623962, ClinGen allele CA617189.

ClinVar aggregate classification (germline): Uncertain significance (1 of 4 stars; one submission).

Allele frequency attached by ClinVar (database versions not stated): gnomAD exomes below 0.00001; gnomAD 0.00002; TOPMed 0.00002; ExAC 0.00008; 1000 Genomes Project 30x 0.00016; 1000 Genomes Project 0.00020.
gnomAD v4.1: 5 of 1,587,410 alleles (0.00031%); highest among the groups gnomAD compares: African/African-American, 0.0054%; no homozygotes.

Submission:

Labcorp Genetics (formerly Invitae), Labcorp
Classification: Uncertain significance. Last evaluated: 2023-05-23. Review status: criteria provided, single submitter. Criteria: Invitae Variant Classification Sherloc (09022015). Collection method: clinical testing. Allele origin: germline.
Comment: An algorithm developed to predict the effect of missense changes on protein structure and function (PolyPhen-2) suggests that this variant is likely to be tolerated. In summary, the available evidence is currently insufficient to determine the role of this variant in disease. Therefore, it has been classified as a Variant of Uncertain Significance. ClinVar contains an entry for this variant (Variation ID: 1036203). This variant has not been reported in the literature in individuals affected with PLEKHM2-related conditions. This sequence change replaces threonine, which is neutral and polar, with asparagine, which is neutral and polar, at codon 741 of the PLEKHM2 protein (p.Thr741Asn). The frequency data for this variant in the population databases is considered unreliable, as metrics indicate poor data quality at this position in the gnomAD database.